The following is an entry in ClinVar:

NM_001384140.1(PCDH15):c.985+1G>C

Gene: PCDH15 (protocadherin related 15; minus strand). Cytogenetic location: 10q21.1.
Variant type: single nucleotide variant.
Coding change: c.985+1G>C on transcript NM_001384140.1 (MANE Select); the canonical splice donor site of the intron after coding-DNA position 985, G replaced by C.
Molecular consequence: splice donor variant.
Genome position (GRCh38, 1-based): chr10:54,236,822, C>G on the plus strand (G>C on the coding strand, the complement: PCDH15 is on the minus strand). VCF-style: chr10-54236822-C-G. GRCh37 (hg19) VCF-style: chr10-55996582-C-G.
Other names: c.985+1G>C (NM_001142772.2, NM_001354420.2, NM_001354429.2 and 7 more transcripts); c.1000+1G>C (NM_001142771.2, NM_001142769.3, NM_001142763.2); c.919+1G>C (NM_001354404.2, NM_001142773.2, NM_001142768.2); c.874+1G>C (NM_001142767.2).
Identifiers: ClinVar variation 1066175 (VCV001066175.9), dbSNP rs2134387647, ClinGen allele CA376527865.
Genomic context (GRCh38, chr10:54,236,822, plus strand): 5'-AGAATTTGTTACTGTAAGATTCTAGAATAACTGATAGTGTAAAATGTTATCAGATACAAA[C>G]CAACAAGGATGGAATAGAGGATTCCTGGCCTATCTGATGGCGGTTGAATATTCCGGTCCT-3'

ClinVar aggregate classification (germline): Likely pathogenic (1 of 4 stars; one submission).

Submission:

Labcorp Genetics (formerly Invitae), Labcorp
Classification: Likely pathogenic. Last evaluated: 2020-10-19. Review status: criteria provided, single submitter. Criteria: Invitae Variant Classification Sherloc (09022015). Collection method: clinical testing. Allele origin: germline.
Comment: In summary, the currently available evidence indicates that the variant is pathogenic, but additional data are needed to prove that conclusively. Therefore, this variant has been classified as Likely Pathogenic. Algorithms developed to predict the effect of sequence changes on RNA splicing suggest that this variant may disrupt the consensus splice site, but this prediction has not been confirmed by published transcriptional studies. This variant has not been reported in the literature in individuals with PCDH15-related conditions. This variant is not present in population databases (ExAC no frequency). This sequence change affects a donor splice site in intron 9 of the PCDH15 gene. It is expected to disrupt RNA splicing. Variants that disrupt the donor or acceptor splice site typically lead to a loss of protein function (PMID: 16199547), and loss-of-function variants in PCDH15 are known to be pathogenic (PMID: 11398101, 11487575, 14570705).

Literature cited by the submitters: PubMed 16199547; PubMed 11398101; PubMed 11487575; PubMed 14570705.